The following is an entry in ClinVar:

ClinVar aggregate classification (germline): Likely pathogenic (1 of 4 stars; one submission).

Submission:

GeneDx
Classification: Likely pathogenic. Last evaluated: 2012-01-12. Review status: criteria provided, single submitter. Criteria: GeneDx Variant Classification (06012015). Collection method: clinical testing. Allele origin: germline. Affected: yes.
Comment: This missense change is denoted Tyr125Asp (aka Y125D) at the protein level and c.373 T>G at the cDNA level. The Tyr125Asp variant in the KCNQ1 gene has not been reported previously as a disease-causing mutation nor as a benign polymorphism, to our knowledge. Tyr125Asp results in a non-conservative amino acid substitution of a neutral, polar Tyrosine with a negatively charged Aspartic acid at a residue that is conserved across species. In silico analysis predicts Tyr125Asp is probably damaging to the protein structure/function (Kumar P et al., 2009, Schwarz JM et al., 2011). In addition, mutations in nearby codons (Cys122Tyr, Phe127Leu) have been reported in association with LQTS, supporting the functional importance of this region of the protein. The NHLBI ESP Exome Variant Server reports Tyr125Asp was not observed in approximately 3,000 samples from individuals of European and African American backgrounds, indicating it is not a common benign variant in these populations. In summary, while the Tyr125Asp variant in the KCNQ1 gene is a good candidate for a disease-causing mutation, we cannot unequivocally determine if Tyr125Asp is a pathogenic mutation or a benign variant. The variant is found in LQT panel(s).

NM_000218.3(KCNQ1):c.373T>G (p.Tyr125Asp)

Gene: KCNQ1 (potassium voltage-gated channel subfamily Q member 1; plus strand). Cytogenetic location: 11p15.5.
Variant type: single nucleotide variant.
Coding change: c.373T>G on transcript NM_000218.3 (MANE Select); coding-DNA position 373, T replaced by G.
Protein change: p.Tyr125Asp; replaces tyrosine 125 with aspartic acid.
Molecular consequence: missense variant.
Genome position (GRCh38, 1-based): chr11:2,445,471, T>G. VCF-style: chr11-2445471-T-G. GRCh37 (hg19) VCF-style: chr11-2466701-T-G.
Other names: p.Y125D:TAC>GAC; short protein forms Y125D.
Identifiers: ClinVar variation 200910 (VCV000200910.2), dbSNP rs794728578, ClinGen allele CA006898.